The following is an entry in ClinVar:

ClinVar aggregate classification (germline): Likely benign (0 of 4 stars; one submission).

Conditions:
EPPK1-related disorder. Also called: EPPK1-related condition.

Allele frequency attached by ClinVar (database versions not stated): gnomAD exomes 0.00005; ExAC 0.00015; 1000 Genomes Project 0.00020; 1000 Genomes Project 30x 0.00047; TOPMed 0.00054; ESP Exome Variant Server 0.00048; gnomAD 0.00051.
gnomAD v4.1: 149 of 1,606,042 alleles (0.0093%); highest among the groups gnomAD compares: African/African-American, 0.16%; no homozygotes.

Submission:

PreventionGenetics, part of Exact Sciences
Classification: Likely benign for EPPK1-related condition. Last evaluated: 2022-09-20. Review status: no assertion criteria provided. Collection method: clinical testing. Allele origin: germline.
Comment: This variant is classified as likely benign based on ACMG/AMP sequence variant interpretation guidelines (Richards et al. 2015 PMID: 25741868, with internal and published modifications).

NM_031308.4(EPPK1):c.4130C>T (p.Ala1377Val)

Gene: EPPK1 (epiplakin 1; minus strand). Cytogenetic location: 8q24.3.
Variant type: single nucleotide variant.
Coding change: c.4130C>T on transcript NM_031308.4 (MANE Select); coding-DNA position 4130, C replaced by T.
Protein change: p.Ala1377Val; replaces alanine 1377 with valine.
Molecular consequence: missense variant.
Genome position (GRCh38, 1-based): chr8:143,869,124, G>A on the plus strand (C>T on the coding strand, the complement: EPPK1 is on the minus strand). VCF-style: chr8-143869124-G-A. GRCh37 (hg19) VCF-style: chr8-144943292-G-A.
Other names: short protein forms A1377V.
Identifiers: ClinVar variation 3050892 (VCV003050892.2), dbSNP rs372573971, ClinGen allele CA4922589.
Genomic context (GRCh38, chr8:143,869,124, plus strand): 5'-TCAACTGCAGTCAGCACCTGGCTCGTCTGTGTGTCCAGAAGGCCGAGTCTGCAGGCTGCC[G>A]CCTGGGGCAGGTGCACCCCGTGGACAGGGTCCACCACACCCCCTGTGGCCAGCTGCACCT-3'
Protein context (NP_112598.3, residues 1367-1387): DPVHGVHLPQ[Ala1377Val]AACRLGLLDT